The following is an entry in ClinVar:

ClinVar aggregate classification (germline): Uncertain significance (1 of 4 stars; one submission).

gnomAD v4.1: 5 of 1,581,124 alleles (0.00032%); highest among the groups gnomAD compares: Non-Finnish European, 0.00043%; no homozygotes.

Submission:

Labcorp Genetics (formerly Invitae), Labcorp
Classification: Uncertain significance. Last evaluated: 2024-05-23. Review status: criteria provided, single submitter. Criteria: Invitae Variant Classification Sherloc (09022015). Collection method: clinical testing. Allele origin: germline.
Comment: This sequence change replaces proline, which is neutral and non-polar, with leucine, which is neutral and non-polar, at codon 1044 of the RAI1 protein (p.Pro1044Leu). This variant is not present in population databases (gnomAD no frequency). This variant has not been reported in the literature in individuals affected with RAI1-related conditions. Advanced modeling of protein sequence and biophysical properties (such as structural, functional, and spatial information, amino acid conservation, physicochemical variation, residue mobility, and thermodynamic stability) performed at Invitae indicates that this missense variant is not expected to disrupt RAI1 protein function with a negative predictive value of 80%. In summary, the available evidence is currently insufficient to determine the role of this variant in disease. Therefore, it has been classified as a Variant of Uncertain Significance.

NM_030665.4(RAI1):c.3131C>T (p.Pro1044Leu)

Gene: RAI1 (retinoic acid induced 1; plus strand). Cytogenetic location: 17p11.2.
Variant type: single nucleotide variant.
Coding change: c.3131C>T on transcript NM_030665.4 (MANE Select); coding-DNA position 3131, C replaced by T.
Protein change: p.Pro1044Leu; replaces proline 1044 with leucine.
Molecular consequence: missense variant.
Genome position (GRCh38, 1-based): chr17:17,796,079, C>T. VCF-style: chr17-17796079-C-T. GRCh37 (hg19) VCF-style: chr17-17699393-C-T.
Other names: short protein forms P1044L.
Identifiers: ClinVar variation 3697410 (VCV003697410.2).